The following is an entry in ClinVar:

ClinVar aggregate classification (germline): Likely benign. Review status: criteria provided, multiple submitters, no conflicts (2 of 4 stars). 2 submissions from 2 submitters: Likely benign (2). Last evaluated 2025-01-05.

Conditions:
Malignant hyperthermia, susceptibility to, 1 (MHS1). Also called: Malignant hyperthermia suceptibility 1; RYR1-Related Malignant Hyperthermia Susceptibility; Anesthesia related hyperthermia; Malignant hyperpyrexia; Fulminating hyperpyrexia; Pharmacogenic myopathy. Identifiers: Orphanet 423, MedGen C2930980, MONDO:0007783, OMIM 145600.
RYR1-related disorder. Also called: RYR1-related condition; RYR1-related disorders. Identifiers: MedGen CN239331.

Allele frequency attached by ClinVar (database versions not stated): gnomAD exomes 0.00001; TOPMed 0.00001; ExAC 0.00002; gnomAD 0.00002.
gnomAD v4.1: 33 of 1,614,088 alleles (0.002%); highest among the groups gnomAD compares: Non-Finnish European, 0.0026%; no homozygotes.

Submissions (2):

Labcorp Genetics (formerly Invitae), Labcorp
Classification: Likely benign for RYR1-related disorder. Last evaluated: 2025-01-05. Review status: criteria provided, single submitter. Criteria: Invitae Variant Classification Sherloc (09022015). Collection method: clinical testing. Allele origin: germline.

All of Us Research Program, National Institutes of Health
Classification: Likely benign for Malignant hyperthermia, susceptibility to, 1. Last evaluated: 2023-11-20. Review status: criteria provided, single submitter. Criteria: ACMG Guidelines, 2015. Collection method: clinical testing. Allele origin: germline. Inheritance: Autosomal dominant inheritance. Observed: 3 variant alleles, 3 heterozygotes.
Comment: This study involves interpretation of variants in research participants for the purpose of population health screening. Participant phenotype was not available at the time of variant classification. Additional details can be found in publication PMID: 35346344, PMCID: PMC8962531

NM_000540.3(RYR1):c.1068C>T (p.Leu356=)

Gene: RYR1 (ryanodine receptor 1; plus strand). Cytogenetic location: 19q13.2.
Variant type: single nucleotide variant.
Coding change: c.1068C>T on transcript NM_000540.3 (MANE Select); coding-DNA position 1068, C replaced by T.
Protein change: p.Leu356=; no amino-acid change (leucine 356 retained).
Molecular consequence: synonymous variant.
Genome position (GRCh38, 1-based): chr19:38,448,759, C>T. VCF-style: chr19-38448759-C-T. GRCh37 (hg19) VCF-style: chr19-38939399-C-T.
Other names: c.1068C>T, p.Leu356= (NM_001042723.2).
Identifiers: ClinVar variation 1629716 (VCV001629716.9), dbSNP rs770069138, ClinGen allele CA054531.
Genomic context (GRCh38, chr19:38,448,759, plus strand): 5'-TGAGATCAAGTACGGGGAGTCACTGTGCTTCGTGCAGCATGTGGCCTCAGGACTGTGGCT[C>T]ACCTATGCTGCTCCAGACCCCAAGGCCCTGCGGCTCGGCGTGCTCAAGAAGAAGGTGGGT-3'
Protein context (NP_000531.2, residues 346-366): FVQHVASGLW[Leu356=]TYAAPDPKAL